The following is an entry in ClinVar:

ClinVar aggregate classification (germline): Uncertain significance (1 of 4 stars; one submission).

Allele frequency attached by ClinVar (database versions not stated): gnomAD 0.00001; gnomAD exomes 0.00003 and 0.00005; ExAC 0.00007; 1000 Genomes Project 30x 0.00031; 1000 Genomes Project 0.00040.
gnomAD v4.1: 50 of 1,602,208 alleles (0.0031%); highest among the groups gnomAD compares: South Asian, 0.051%; 2 homozygotes.

Submission:

Labcorp Genetics (formerly Invitae), Labcorp
Classification: Uncertain significance. Last evaluated: 2022-06-10. Review status: criteria provided, single submitter. Criteria: Invitae Variant Classification Sherloc (09022015). Collection method: clinical testing. Allele origin: germline.
Comment: This variant has not been reported in the literature in individuals affected with CARMIL2-related conditions. In summary, the available evidence is currently insufficient to determine the role of this variant in disease. Therefore, it has been classified as a Variant of Uncertain Significance. Algorithms developed to predict the effect of missense changes on protein structure and function are either unavailable or do not agree on the potential impact of this missense change (SIFT: "Deleterious"; PolyPhen-2: "Probably Damaging"; Align-GVGD: "Class C0"). This variant is present in population databases (rs562068269, gnomAD 0.04%). This sequence change replaces tyrosine, which is neutral and polar, with histidine, which is basic and polar, at codon 1168 of the CARMIL2 protein (p.Tyr1168His).

NM_001013838.3(CARMIL2):c.3502T>C (p.Tyr1168His)

Gene: CARMIL2 (capping protein regulator and myosin 1 linker 2; plus strand). Cytogenetic location: 16q22.1.
Variant type: single nucleotide variant.
Coding change: c.3502T>C on transcript NM_001013838.3 (MANE Select); coding-DNA position 3502, T replaced by C.
Protein change: p.Tyr1168His; replaces tyrosine 1168 with histidine.
Molecular consequence: missense variant.
Genome position (GRCh38, 1-based): chr16:67,654,612, T>C. VCF-style: chr16-67654612-T-C. GRCh37 (hg19) VCF-style: chr16-67688515-T-C.
Other names: c.3394T>C, p.Tyr1132His (NM_001317026.3); short protein forms Y1168H, Y1132H.
Identifiers: ClinVar variation 1429823 (VCV001429823.8), dbSNP rs562068269, ClinGen allele CA8114027.